The following is an entry in ClinVar:

ClinVar aggregate classification (germline): Benign. Review status: criteria provided, multiple submitters, no conflicts (2 of 4 stars). 4 submissions from 4 submitters: Benign (4). Last evaluated 2026-03-30.

Conditions:
Susceptibility to respiratory infections associated with CD8alpha chain mutation (IMD116). Also called: IMMUNODEFICIENCY 116; Cd8 deficiency, familial. Identifiers: Orphanet 169085, MedGen C1837065, MONDO:0012161, OMIM 608957.

Allele frequency attached by ClinVar (database versions not stated): ESP Exome Variant Server 0.00008; gnomAD 0.00070; ExAC 0.00208; TOPMed 0.00344; 1000 Genomes Project 0.00659; 1000 Genomes Project 30x 0.00687.
gnomAD v4.1: 2,083 of 1,613,344 alleles (0.13%); highest among the groups gnomAD compares: Admixed American, 3.2%; 71 homozygotes.

Submissions (4):

Women's Health and Genetics/Laboratory Corporation of America, LabCorp
Classification: Benign. Last evaluated: 2026-03-30. Review status: criteria provided, single submitter. Criteria: LabCorp Variant Classification Summary - May 2015. Collection method: clinical testing. Allele origin: germline.

Labcorp Genetics (formerly Invitae), Labcorp
Classification: Benign for Susceptibility to respiratory infections associated with CD8alpha chain mutation. Last evaluated: 2026-02-02. Review status: criteria provided, single submitter. Criteria: Invitae Variant Classification Sherloc (09022015). Collection method: clinical testing. Allele origin: germline.

Mayo Clinic Laboratories, Mayo Clinic
Classification: Benign. Last evaluated: 2025-10-13. Review status: criteria provided, single submitter. Criteria: ACMG Guidelines, 2015. Collection method: clinical testing. Allele origin: germline. Observed: 1 variant allele.
Comment: BS1, BS2, BP4, BP7

Breakthrough Genomics
Classification: Benign. Review status: criteria provided, single submitter. Criteria: ACMG Guidelines, 2015. Collection method: not provided. Allele origin: germline. Inheritance: Autosomal recessive inheritance. Affected: yes.

NM_001768.7(CD8A):c.171C>T (p.Leu57=)

Gene: CD8A (CD8 subunit alpha; minus strand). Cytogenetic location: 2p11.2.
Variant type: single nucleotide variant.
Coding change: c.171C>T on transcript NM_001768.7 (MANE Select); coding-DNA position 171, C replaced by T.
Protein change: p.Leu57=; no amino-acid change (leucine 57 retained).
Molecular consequence: synonymous variant. On other transcripts: non-coding transcript variant (3).
Genome position (GRCh38, 1-based): chr2:86,790,560, G>A on the plus strand (C>T on the coding strand, the complement: CD8A is on the minus strand). VCF-style: chr2-86790560-G-A. GRCh37 (hg19) VCF-style: chr2-87017683-G-A.
Other names: p.Leu57=; c.171C>T, p.Leu57= (NM_001145873.1, NM_001382698.1, NM_171827.4).
Identifiers: ClinVar variation 533088 (VCV000533088.15), dbSNP rs181102668, ClinGen allele CA1751259.